The following is an entry in ClinVar:

ClinVar aggregate classification (germline): Pathogenic. Review status: criteria provided, single submitter (1 of 4 stars). 2 submissions from 1 submitter: Pathogenic (2). Last evaluated 2017-09-29.

Conditions:
Melnick-Fraser syndrome (BOR). Also called: Branchio-oto-renal syndrome; Branchiootorenal Syndrome (BORS); Branchiootorenal syndrome. Identifiers: Orphanet 107, MedGen C0265234, MONDO:0007029.
Branchiootorenal syndrome 1. Also called: Branchio-Oto-Renal Syndrome 1. Identifiers: Orphanet 107, MedGen C4551702, MONDO:0007236, OMIM 113650.

Submissions (2):

Labcorp Genetics (formerly Invitae), Labcorp
Classification: Pathogenic for Melnick-Fraser syndrome. Last evaluated: 2017-09-29. Review status: criteria provided, single submitter. Criteria: Invitae Variant Classification Sherloc (09022015). Collection method: clinical testing. Allele origin: germline.
Comment: This variant is an out-of-frame deletion of the genomic region encompassing exons 5-12 of the EYA1 gene. This is expected to create a premature translational stop signal and result in an absent or disrupted protein product. This deletion has not been reported in the literature in individuals with EYA1-related disease. Loss-of-function variants in EYA1 are known to be pathogenic (PMID: 18220287). For these reasons, this variant has been classified as Pathogenic.

Labcorp Genetics (formerly Invitae), Labcorp
Classification: Pathogenic for Melnick-Fraser syndrome. Last evaluated: 2017-09-23. Review status: criteria provided, single submitter. Criteria: Invitae Variant Classification Sherloc (09022015). Collection method: clinical testing. Allele origin: germline.
Comment: For these reasons, this variant has been classified as Pathogenic. Loss-of-function variants in EYA1 are known to be pathogenic (PMID: 18220287). This deletion has not been reported in the literature in individuals with EYA1-related disease. This variant is an out-of-frame deletion of the genomic region encompassing exons 5-12 of the EYA1 gene. This is expected to create a premature translational stop signal and result in an absent or disrupted protein product.

Literature cited by the submitters: PubMed 18220287.

NC_000008.11:g.(?_71244583)_(71322288_?)del

Genes: EYA1 (EYA transcriptional coactivator and phosphatase 1; minus strand), LOC130000578 (ATAC-STARR-seq lymphoblastoid active region 27512; plus strand), LOC130000579 (ATAC-STARR-seq lymphoblastoid active region 27513; plus strand), LOC130000580 (ATAC-STARR-seq lymphoblastoid active region 27514; plus strand), LOC130000581 (ATAC-STARR-seq lymphoblastoid active region 27515; plus strand). Cytogenetic location: 8q13.3.
Variant type: Deletion.
Identifiers: ClinVar variation 528878 (VCV000528878.7).